The following is an entry in ClinVar:

ClinVar aggregate classification (germline): Uncertain significance (1 of 4 stars; one submission).

gnomAD v4.1: 113 of 1,605,304 alleles (0.007%); highest among the groups gnomAD compares: Admixed American, 0.018%; no homozygotes.

Submission:

Labcorp Genetics (formerly Invitae), Labcorp
Classification: Uncertain significance. Last evaluated: 2024-10-22. Review status: criteria provided, single submitter. Criteria: Invitae Variant Classification Sherloc (09022015). Collection method: clinical testing. Allele origin: germline.
Comment: This sequence change replaces isoleucine, which is neutral and non-polar, with methionine, which is neutral and non-polar, at codon 165 of the NDUFAF7 protein (p.Ile165Met). This variant is present in population databases (rs753188292, gnomAD 0.03%). This variant has not been reported in the literature in individuals affected with NDUFAF7-related conditions. An algorithm developed to predict the effect of missense changes on protein structure and function (PolyPhen-2) suggests that this variant is likely to be tolerated. In summary, the available evidence is currently insufficient to determine the role of this variant in disease. Therefore, it has been classified as a Variant of Uncertain Significance.

NM_144736.5(NDUFAF7):c.789A>G (p.Ile263Met)

Gene: NDUFAF7 (NADH:ubiquinone oxidoreductase complex assembly factor 7; plus strand). Cytogenetic location: 2p22.2.
Variant type: single nucleotide variant.
Coding change: c.789A>G on transcript NM_144736.5 (MANE Select); coding-DNA position 789, A replaced by G.
Protein change: p.Ile263Met; replaces isoleucine 263 with methionine.
Molecular consequence: missense variant. On other transcripts: non-coding transcript variant (10).
Genome position (GRCh38, 1-based): chr2:37,243,970, A>G. VCF-style: chr2-37243970-A-G. GRCh37 (hg19) VCF-style: chr2-37471113-A-G.
Other names: c.495A>G, p.Ile165Met (NM_001083946.2); c.789A>G, p.Ile263Met (NM_001350024.2); c.708A>G, p.Ile236Met (NM_001350025.2); c.576A>G, p.Ile192Met (NM_001350027.2); short protein forms I165M, I192M, I236M, I263M.
Identifiers: ClinVar variation 3621306 (VCV003621306.2).